The following is an entry in ClinVar:

NM_003611.3(OFD1):c.2332T>G (p.Ser778Ala)

Gene: OFD1 (OFD1 centriole and centriolar satellite protein; plus strand). Cytogenetic location: Xp22.2.
Variant type: single nucleotide variant.
Coding change: c.2332T>G on transcript NM_003611.3 (MANE Select); coding-DNA position 2332, T replaced by G.
Protein change: p.Ser778Ala; replaces serine 778 with alanine.
Molecular consequence: missense variant.
Genome position (GRCh38, 1-based): chrX:13,761,156, T>G. VCF-style: chrX-13761156-T-G. GRCh37 (hg19) VCF-style: chrX-13779275-T-G.
Other names: c.2332T>G (NM_003611.2); c.2212T>G, p.Ser738Ala (NM_001330209.2); c.1912T>G, p.Ser638Ala (NM_001330210.2); short protein forms S638A, S738A, S778A.
Identifiers: ClinVar variation 2923093 (VCV002923093.4), dbSNP rs1306533962, ClinGen allele CA412345019.

ClinVar aggregate classification (germline): Uncertain significance. Review status: criteria provided, multiple submitters, no conflicts (2 of 4 stars). 2 submissions from 2 submitters: Uncertain significance (2). Last evaluated 2024-12-04.

Conditions:
Joubert syndrome. Also called: JOUBERT-BOLTSHAUSER SYNDROME; Familial aplasia of the vermis. Identifiers: Orphanet 475, MedGen C5979921, MONDO:0018772.
Orofaciodigital syndrome I (OFD1). Also called: OFDS I; Papillon-Leage and Psaume Syndrome; Oral-Facial-Digital Syndrome Type I. Identifiers: Orphanet 2750, MedGen C1510460, MONDO:0010702, OMIM 311200.
Primary ciliary dyskinesia. Also called: Ciliary dyskinesia. Identifiers: Orphanet 244, MedGen C0008780, MONDO:0016575, HP:0012265.

Allele frequency attached by ClinVar (database versions not stated): TOPMed below 0.00001.
gnomAD v4.1: 6 of 1,210,441 alleles (0.0005%); highest among the groups gnomAD compares: Non-Finnish European, 0.00056%; no homozygotes.

Submissions (2):

Ambry Genetics
Classification: Uncertain significance for Primary ciliary dyskinesia. Last evaluated: 2024-12-04. Review status: criteria provided, single submitter. Criteria: Ambry Variant Classification Scheme 2023. Collection method: clinical testing. Allele origin: germline.

Labcorp Genetics (formerly Invitae), Labcorp
Classification: Uncertain significance for Orofaciodigital syndrome I; Joubert syndrome. Last evaluated: 2023-11-25. Review status: criteria provided, single submitter. Criteria: Invitae Variant Classification Sherloc (09022015). Collection method: clinical testing. Allele origin: germline.
Comment: This sequence change replaces serine, which is neutral and polar, with alanine, which is neutral and non-polar, at codon 778 of the OFD1 protein (p.Ser778Ala). This variant is not present in population databases (gnomAD no frequency). This variant has not been reported in the literature in individuals affected with OFD1-related conditions. Advanced modeling of protein sequence and biophysical properties (such as structural, functional, and spatial information, amino acid conservation, physicochemical variation, residue mobility, and thermodynamic stability) performed at Invitae indicates that this missense variant is not expected to disrupt OFD1 protein function with a negative predictive value of 80%. In summary, the available evidence is currently insufficient to determine the role of this variant in disease. Therefore, it has been classified as a Variant of Uncertain Significance.